The following is an entry in ClinVar:

ClinVar aggregate classification (germline): Uncertain significance. Review status: criteria provided, multiple submitters, no conflicts (2 of 4 stars). 2 submissions from 2 submitters: Uncertain significance (2). Last evaluated 2023-03-21.

Submissions (2):

GeneDx
Classification: Uncertain significance. Last evaluated: 2023-03-21. Review status: criteria provided, single submitter. Criteria: GeneDx Variant Classification Process June 2021. Collection method: clinical testing. Allele origin: germline. Affected: yes.
Comment: Not observed at significant frequency in large population cohorts (gnomAD); In silico analysis supports that this missense variant has a deleterious effect on protein structure/function; Has not been previously published as pathogenic or benign to our knowledge

Labcorp Genetics (formerly Invitae), Labcorp
Classification: Uncertain significance. Last evaluated: 2023-03-18. Review status: criteria provided, single submitter. Criteria: Invitae Variant Classification Sherloc (09022015). Collection method: clinical testing. Allele origin: germline.
Comment: In summary, the available evidence is currently insufficient to determine the role of this variant in disease. Therefore, it has been classified as a Variant of Uncertain Significance. Advanced modeling of protein sequence and biophysical properties (such as structural, functional, and spatial information, amino acid conservation, physicochemical variation, residue mobility, and thermodynamic stability) performed at Invitae indicates that this missense variant is not expected to disrupt MTOR protein function. This variant has not been reported in the literature in individuals affected with MTOR-related conditions. This variant is not present in population databases (gnomAD no frequency). This sequence change replaces arginine, which is basic and polar, with proline, which is neutral and non-polar, at codon 766 of the MTOR protein (p.Arg766Pro).

NM_004958.4(MTOR):c.2297G>C (p.Arg766Pro)

Gene: MTOR (mechanistic target of rapamycin kinase; minus strand). Cytogenetic location: 1p36.22.
Variant type: single nucleotide variant.
Coding change: c.2297G>C on transcript NM_004958.4 (MANE Select); coding-DNA position 2297, G replaced by C.
Protein change: p.Arg766Pro; replaces arginine 766 with proline.
Molecular consequence: missense variant.
Genome position (GRCh38, 1-based): chr1:11,234,177, C>G on the plus strand (G>C on the coding strand, the complement: MTOR is on the minus strand). VCF-style: chr1-11234177-C-G. GRCh37 (hg19) VCF-style: chr1-11294234-C-G.
Other names: c.2297G>C, p.Arg766Pro (NM_001386500.1); c.1049G>C, p.Arg350Pro (NM_001386501.1); short protein forms R350P, R766P.
Identifiers: ClinVar variation 2580750 (VCV002580750.4), dbSNP rs1647117277, ClinGen allele CA338384649.